The following is an entry in ClinVar:

ClinVar aggregate classification (germline): Pathogenic. Review status: criteria provided, multiple submitters, no conflicts (2 of 4 stars). 2 submissions from 2 submitters: Pathogenic (2). Last evaluated 2026-02-03.

Conditions:
Developmental and epileptic encephalopathy, 33 (DEE33). Also called: Epileptic encephalopathy, early infantile, 33. Identifiers: Orphanet 442835, MedGen C4225337, MONDO:0014625, OMIM 616409.

Submissions (2):

GeneDx
Classification: Pathogenic. Last evaluated: 2026-02-03. Review status: criteria provided, single submitter. Criteria: GeneDx Variant Classification Process June 2021. Collection method: clinical testing. Allele origin: germline.
Comment: Not observed at significant frequency in large population cohorts (gnomAD); In silico analysis supports that this missense variant has a deleterious effect on protein structure/function; Has not been previously published as pathogenic or benign to our knowledge

Labcorp Genetics (formerly Invitae), Labcorp
Classification: Pathogenic for Developmental and epileptic encephalopathy, 33. Last evaluated: 2024-09-09. Review status: criteria provided, single submitter. Criteria: Invitae Variant Classification Sherloc (09022015). Collection method: clinical testing. Allele origin: germline.
Comment: This sequence change replaces arginine, which is basic and polar, with cysteine, which is neutral and slightly polar, at codon 69 of the EEF1A2 protein (p.Arg69Cys). This variant is not present in population databases (gnomAD no frequency). This missense change has been observed in individual(s) with clinical features of developmental and epileptic encephalopathy (internal data). In at least one individual the variant was observed to be de novo. ClinVar contains an entry for this variant (Variation ID: 542651). Invitae Evidence Modeling of protein sequence and biophysical properties (such as structural, functional, and spatial information, amino acid conservation, physicochemical variation, residue mobility, and thermodynamic stability) has been performed for this missense variant. However, the output from this modeling did not meet the statistical confidence thresholds required to predict the impact of this variant on EEF1A2 protein function. For these reasons, this variant has been classified as Pathogenic.

NM_001958.5(EEF1A2):c.205C>T (p.Arg69Cys)

Gene: EEF1A2 (eukaryotic translation elongation factor 1 alpha 2; minus strand). Cytogenetic location: 20q13.33.
Variant type: single nucleotide variant.
Coding change: c.205C>T on transcript NM_001958.5 (MANE Select); coding-DNA position 205, C replaced by T.
Protein change: p.Arg69Cys; replaces arginine 69 with cysteine.
Molecular consequence: missense variant.
Genome position (GRCh38, 1-based): chr20:63,495,975, G>A on the plus strand (C>T on the coding strand, the complement: EEF1A2 is on the minus strand). VCF-style: chr20-63495975-G-A. GRCh37 (hg19) VCF-style: chr20-62127328-G-A.
Other names: short protein forms R69C.
Identifiers: ClinVar variation 542651 (VCV000542651.12), dbSNP rs1555883869, ClinGen allele CA409651514.
Genomic context (GRCh38, chr20:63,495,975, plus strand): 5'-TGGTGATGTAGTACTTGGTGGTCTCGAACTTCCAGAGGGAGATGTCGATGGTGATGCCGC[G>A]CTCACGCTCCGCCTTCAGCTTGTCCAGCACCCAGGCATACTTGAAGGATCCCTTCCCCAT-3'
Protein context (NP_001949.1, residues 59-79): VLDKLKAERE[Arg69Cys]GITIDISLWK